The following is an entry in ClinVar:

ClinVar aggregate classification (germline): Uncertain significance (1 of 4 stars; one submission).

Conditions:
Hereditary cancer-predisposing syndrome. Also called: Neoplastic Syndromes, Hereditary; Tumor predisposition; Hereditary neoplastic syndrome; Hereditary Cancer Syndrome. Identifiers: Orphanet 140162, MedGen C0027672, MeSH D009386, MONDO:0015356.

Submission:

Ambry Genetics
Classification: Uncertain significance for Hereditary cancer-predisposing syndrome. Last evaluated: 2026-08-18. Review status: criteria provided, single submitter. Criteria: Ambry Variant Classification Scheme 2023. Collection method: clinical testing. Allele origin: germline.
Comment: The p.F336V variant (also known as c.1006T>G), located in coding exon 10 of the RB1 gene, results from a T to G substitution at nucleotide position 1006. The phenylalanine at codon 336 is replaced by valine, an amino acid with highly similar properties. This amino acid position is conserved. In addition, this alteration is predicted to be deleterious by in silico analysis. Based on the available evidence, the clinical significance of this variant remains unclear.

NM_000321.3(RB1):c.1006T>G (p.Phe336Val)

Gene: RB1 (RB transcriptional corepressor 1; plus strand). Cytogenetic location: 13q14.2.
Variant type: single nucleotide variant.
Coding change: c.1006T>G on transcript NM_000321.3 (MANE Select); coding-DNA position 1006, T replaced by G.
Protein change: p.Phe336Val; replaces phenylalanine 336 with valine.
Molecular consequence: missense variant.
Genome position (GRCh38, 1-based): chr13:48,367,560, T>G. VCF-style: chr13-48367560-T-G. GRCh37 (hg19) VCF-style: chr13-48941696-T-G.
Other names: c.1006T>G, p.Phe336Val (NM_001407165.1, NM_001407166.1); short protein forms F336V.
Identifiers: ClinVar variation 5027983 (VCV005027983.1).
Genomic context (GRCh38, chr13:48,367,560, plus strand): 5'-AATCTTTCTAAACGATACGAAGAAATTTATCTTAAAAATAAAGATCTAGATGCAAGATTA[T>G]TTTTGGATCATGATAAAACTCTTCAGACTGATTCTATAGACAGGTATTGCACATGGTATA-3'
Protein context (NP_000312.2, residues 326-346): LKNKDLDARL[Phe336Val]LDHDKTLQTD